The following is an entry in ClinVar:

NM_004320.6(ATP2A1):c.296T>C (p.Ile99Thr)

Gene: ATP2A1 (ATPase sarcoplasmic/endoplasmic reticulum Ca2+ transporting 1; plus strand). Cytogenetic location: 16p11.2.
Variant type: single nucleotide variant.
Coding change: c.296T>C on transcript NM_004320.6 (MANE Select); coding-DNA position 296, T replaced by C.
Protein change: p.Ile99Thr; replaces isoleucine 99 with threonine.
Molecular consequence: missense variant. On other transcripts: 5 prime UTR variant (1).
Genome position (GRCh38, 1-based): chr16:28,880,991, T>C. VCF-style: chr16-28880991-T-C. GRCh37 (hg19) VCF-style: chr16-28892312-T-C.
Other names: c.-80T>C (NM_001286075.2); c.296T>C, p.Ile99Thr (NM_173201.5); short protein forms I99T.
Identifiers: ClinVar variation 659709 (VCV000659709.7), dbSNP rs369637881, ClinGen allele CA7986596.
Genomic context (GRCh38, chr16:28,880,991, plus strand): 5'-AGGAAGGTGAAGAGACCATCACTGCCTTTGTTGAACCCTTTGTCATCCTCTTGATCCTCA[T>C]TGCCAATGCCATCGTGGGGGTTTGGCAGGTTAGCGTTGACCCTTCCTTACCCCTTCATGT-3'
Protein context (NP_004311.1, residues 89-109): VEPFVILLIL[Ile99Thr]ANAIVGVWQE

ClinVar aggregate classification (germline): Uncertain significance (1 of 4 stars; one submission).

Conditions:
Brody myopathy. Also called: BRODY DISEASE. Identifiers: Orphanet 53347, MedGen C1832918, MONDO:0010977, OMIM 601003.

Allele frequency attached by ClinVar (database versions not stated): gnomAD exomes 0.00001 and 0.00004; TOPMed 0.00001; ExAC 0.00002; gnomAD 0.00002; ESP Exome Variant Server 0.00008.
gnomAD v4.1: 58 of 1,614,084 alleles (0.0036%); highest among the groups gnomAD compares: Non-Finnish European, 0.0047%; no homozygotes.

Submission:

Labcorp Genetics (formerly Invitae), Labcorp
Classification: Uncertain significance for Brody myopathy. Last evaluated: 2022-10-18. Review status: criteria provided, single submitter. Criteria: Invitae Variant Classification Sherloc (09022015). Collection method: clinical testing. Allele origin: germline.
Comment: This sequence change replaces isoleucine, which is neutral and non-polar, with threonine, which is neutral and polar, at codon 99 of the ATP2A1 protein (p.Ile99Thr). This variant is present in population databases (rs369637881, gnomAD 0.004%). In summary, the available evidence is currently insufficient to determine the role of this variant in disease. Therefore, it has been classified as a Variant of Uncertain Significance. Algorithms developed to predict the effect of missense changes on protein structure and function are either unavailable or do not agree on the potential impact of this missense change (SIFT: "Deleterious"; PolyPhen-2: "Probably Damaging"; Align-GVGD: "Class C0"). ClinVar contains an entry for this variant (Variation ID: 659709). This variant has not been reported in the literature in individuals affected with ATP2A1-related conditions.